The following is an entry in ClinVar:

NM_004525.3(LRP2):c.1810C>G (p.Pro604Ala)

Gene: LRP2 (LDL receptor related protein 2; minus strand). Cytogenetic location: 2q31.1.
Variant type: single nucleotide variant.
Coding change: c.1810C>G on transcript NM_004525.3 (MANE Select); coding-DNA position 1810, C replaced by G.
Protein change: p.Pro604Ala; replaces proline 604 with alanine.
Molecular consequence: missense variant.
Genome position (GRCh38, 1-based): chr2:169,275,201, G>C on the plus strand (C>G on the coding strand, the complement: LRP2 is on the minus strand). VCF-style: chr2-169275201-G-C. GRCh37 (hg19) VCF-style: chr2-170131711-G-C.
Other names: short protein forms P604A.
Identifiers: ClinVar variation 1407559 (VCV001407559.5), dbSNP rs2105443858, ClinGen allele CA349143815.
Genomic context (GRCh38, chr2:169,275,201, plus strand): 5'-CGGCCATCTTTGTCCAATCTGTAAAGAACACCTGACCTTCAAATAAGCTTACTCCAAAGG[G>C]ATGAGGAATGAGGGAGCCTCCATGAACTACAGTCTTCCTGTTATAAAAGACACATATATA-3'
Protein context (NP_004516.2, residues 594-614): VVHGGSLIPH[Pro604Ala]FGVSLFEGQV

ClinVar aggregate classification (germline): Uncertain significance (1 of 4 stars; one submission).

Submission:

Labcorp Genetics (formerly Invitae), Labcorp
Classification: Uncertain significance. Last evaluated: 2025-07-27. Review status: criteria provided, single submitter. Criteria: Invitae Variant Classification Sherloc (09022015). Collection method: clinical testing. Allele origin: germline.
Comment: This sequence change replaces proline, which is neutral and non-polar, with alanine, which is neutral and non-polar, at codon 604 of the LRP2 protein (p.Pro604Ala). This variant is not present in population databases (gnomAD no frequency). This variant has not been reported in the literature in individuals affected with LRP2-related conditions. ClinVar contains an entry for this variant (Variation ID: 1407559). Invitae Evidence Modeling of protein sequence and biophysical properties (such as structural, functional, and spatial information, amino acid conservation, physicochemical variation, residue mobility, and thermodynamic stability) indicates that this missense variant is not expected to disrupt LRP2 protein function with a negative predictive value of 80%. In summary, the available evidence is currently insufficient to determine the role of this variant in disease. Therefore, it has been classified as a Variant of Uncertain Significance.